The following is an entry in ClinVar:

ClinVar aggregate classification (germline): Uncertain significance (1 of 4 stars; one submission).

Conditions:
Hereditary cancer-predisposing syndrome. Also called: Hereditary neoplastic syndrome; Neoplastic Syndromes, Hereditary; Tumor predisposition; Hereditary Cancer Syndrome. Identifiers: Orphanet 140162, MedGen C0027672, MeSH D009386, MONDO:0015356.

Submission:

Ambry Genetics
Classification: Uncertain significance for Hereditary cancer-predisposing syndrome. Last evaluated: 2025-08-27. Review status: criteria provided, single submitter. Criteria: Ambry Variant Classification Scheme 2023. Collection method: clinical testing. Allele origin: germline.
Comment: The p.E188A variant (also known as c.563A>C), located in coding exon 7 of the MUTYH gene, results from an A to C substitution at nucleotide position 563. The glutamic acid at codon 188 is replaced by alanine, an amino acid with dissimilar properties. This amino acid position is conserved. In addition, the in silico prediction for this alteration is inconclusive. Based on the available evidence, the clinical significance of this variant remains unclear.

NM_001048174.2(MUTYH):c.479A>C (p.Glu160Ala)

Gene: MUTYH (mutY DNA glycosylase; minus strand). Cytogenetic location: 1p34.1.
Variant type: single nucleotide variant.
Coding change: c.479A>C on transcript NM_001048174.2 (MANE Select); coding-DNA position 479, A replaced by C.
Protein change: p.Glu160Ala; replaces glutamic acid 160 with alanine.
Molecular consequence: missense variant. On other transcripts: non-coding transcript variant (7).
Genome position (GRCh38, 1-based): chr1:45,332,776, T>G on the plus strand (A>C on the coding strand, the complement: MUTYH is on the minus strand). VCF-style: chr1-45332776-T-G. GRCh37 (hg19) VCF-style: chr1-45798448-T-G.
Other names: c.563A>C, p.Glu188Ala (NM_001128425.2); c.524A>C, p.Glu175Ala (NM_001293190.2); c.512A>C, p.Glu171Ala (NM_001293191.2, NM_001407069.1, NM_001407077.1); c.203A>C, p.Glu68Ala (NM_001293192.2, NM_001293196.2, NM_001407091.1); c.479A>C, p.Glu160Ala (NM_001293195.2, NM_001407081.1, NM_001407088.1 and 6 more transcripts); c.134A>C, p.Glu45Ala (NM_001350650.2, NM_001350651.2, NM_001407082.1); c.521A>C, p.Glu174Ala (NM_001407083.1, NM_001407085.1); c.482A>C, p.Glu161Ala (NM_001407086.1, NM_001048172.2, NM_001407071.1 and 1 more transcripts); and 5 more; short protein forms E147A, E171A, E132A, E160A, E161A, E174A, E175A, E167A.
Identifiers: ClinVar variation 4113729 (VCV004113729.1).
Genomic context (GRCh38, chr1:45,332,776, plus strand): 5'-AAGACACCCAAGACTCCTGGGTTCCTACCCTCCTGCCATCCCCTTACCTTCCGAGCTCCC[T>G]CCTGCAGCCGCCGGCCACGAGAATAGTAGCCCAGGCCAGCCCAGAGTTGATTCACCTCCT-3'
Protein context (NP_001041639.1, residues 150-170): GYYSRGRRLQ[Glu160Ala]GARKVVEELG